The following is an entry in ClinVar:

ClinVar aggregate classification (germline): Uncertain significance. Review status: criteria provided, multiple submitters, no conflicts (2 of 4 stars). 4 submissions from 4 submitters: Uncertain significance (4). Last evaluated 2025-06-06.

Conditions:
Emery-Dreifuss muscular dystrophy 4, autosomal dominant (EDMD4). Also called: EMERY-DREIFUSS MUSCULAR DYSTROPHY 4 WITH VARIABLE FEATURES. Identifiers: Orphanet 261, MedGen C2751807, MONDO:0013071, OMIM 612998.
Autosomal recessive ataxia, Beauce type. Also called: ATAXIA, RECESSIVE, OF BEAUCE; SYNE1-Related Autosomal Recessive Cerebellar Ataxia; SYNE1 Deficiency; Spinocerebellar ataxia, autosomal recessive 8. Identifiers: Orphanet 88644, MedGen C1853116, MONDO:0012549, OMIM 610743.
SYNE1-related disorder. Also called: SYNE1-related disease; SYNE1-related condition; SYNE1-related disorders.

Allele frequency attached by ClinVar (database versions not stated): gnomAD 0.00013 and 0.00014; TOPMed 0.00014; ESP Exome Variant Server 0.00015.
gnomAD v4.1: 42 of 1,614,024 alleles (0.0026%); highest among the groups gnomAD compares: African/African-American, 0.048%; no homozygotes.

Submissions (4):

GeneDx
Classification: Uncertain significance. Last evaluated: 2025-06-06. Review status: criteria provided, single submitter. Criteria: GeneDx Variant Classification Process June 2021. Collection method: clinical testing. Allele origin: germline. Affected: yes.
Comment: In silico analysis suggests that this missense variant does not alter protein structure/function; Has not been previously published as pathogenic or benign to our knowledge

PreventionGenetics, part of Exact Sciences
Classification: Uncertain significance for SYNE1-related condition. Last evaluated: 2025-05-27. Review status: criteria provided, single submitter. Criteria: ACMG Guidelines, 2015. Collection method: clinical testing. Allele origin: germline.
Comment: The SYNE1 c.15322G>T variant is predicted to result in the amino acid substitution p.Ala5108Ser. To our knowledge, this variant has not been reported in the literature. This variant is reported in 0.048% of alleles in individuals of African descent in gnomAD. At this time, the clinical significance of this variant is uncertain due to the absence of conclusive functional and genetic evidence.

Labcorp Genetics (formerly Invitae), Labcorp
Classification: Uncertain significance for Emery-Dreifuss muscular dystrophy 4, autosomal dominant; Autosomal recessive ataxia, Beauce type. Last evaluated: 2024-11-12. Review status: criteria provided, single submitter. Criteria: Invitae Variant Classification Sherloc (09022015). Collection method: clinical testing. Allele origin: germline.
Comment: This sequence change replaces alanine, which is neutral and non-polar, with serine, which is neutral and polar, at codon 5108 of the SYNE1 protein (p.Ala5108Ser). This variant is present in population databases (rs375686353, gnomAD 0.05%). This variant has not been reported in the literature in individuals affected with SYNE1-related conditions. ClinVar contains an entry for this variant (Variation ID: 854474). An algorithm developed to predict the effect of missense changes on protein structure and function (PolyPhen-2) suggests that this variant is likely to be disruptive. In summary, the available evidence is currently insufficient to determine the role of this variant in disease. Therefore, it has been classified as a Variant of Uncertain Significance.

Athena Diagnostics
Classification: Uncertain significance. Last evaluated: 2021-08-20. Review status: criteria provided, single submitter. Criteria: Athena Diagnostics Criteria. Collection method: clinical testing. Allele origin: unknown.

NM_182961.4(SYNE1):c.15535G>T (p.Ala5179Ser)

Gene: SYNE1 (spectrin repeat containing nuclear envelope protein 1; minus strand). Cytogenetic location: 6q25.2.
Variant type: single nucleotide variant.
Coding change: c.15535G>T on transcript NM_182961.4 (MANE Select); coding-DNA position 15535, G replaced by T.
Protein change: p.Ala5179Ser; replaces alanine 5179 with serine.
Molecular consequence: missense variant.
Genome position (GRCh38, 1-based): chr6:152,325,206, C>A on the plus strand (G>T on the coding strand, the complement: SYNE1 is on the minus strand). VCF-style: chr6-152325206-C-A. GRCh37 (hg19) VCF-style: chr6-152646341-C-A.
Other names: c.15322G>T, p.Ala5108Ser (NM_033071.5); short protein forms A5179S, A5108S.
Identifiers: ClinVar variation 854474 (VCV000854474.10), dbSNP rs375686353, ClinGen allele CA4055757.